The following is an entry in ClinVar:

NM_153717.3(EVC):c.2449+2T>C

Gene: EVC (EvC ciliary complex subunit 1; plus strand). Cytogenetic location: 4p16.2.
Variant type: single nucleotide variant.
Coding change: c.2449+2T>C on transcript NM_153717.3 (MANE Select); the canonical splice donor site of the intron after coding-DNA position 2449, T replaced by C.
Molecular consequence: splice donor variant.
Genome position (GRCh38, 1-based): chr4:5,802,096, T>C. VCF-style: chr4-5802096-T-C. GRCh37 (hg19) VCF-style: chr4-5803823-T-C.
Other names: c.2449+2T>C (NM_001306090.2).
Identifiers: ClinVar variation 2954527 (VCV002954527.3), dbSNP rs2474508727, ClinGen allele CA356147234.

ClinVar aggregate classification (germline): Likely pathogenic (1 of 4 stars; one submission).

Conditions:
Ellis-van Creveld syndrome (EVC). Also called: EVC-Related Ellis-van Creveld Syndrome; EVC2-Related Ellis-van Creveld Syndrome; MESOECTODERMAL DYSPLASIA; Chondroectodermal dysplasia. Identifiers: Orphanet 289, MedGen C0013903, MONDO:0009162, OMIM 225500.
Curry-Hall syndrome (WAD). Also called: WEYERS ACRODENTAL DYSOSTOSIS. Identifiers: Orphanet 952, MedGen C0457013, MONDO:0008673, OMIM 193530.

Submission:

Labcorp Genetics (formerly Invitae), Labcorp
Classification: Likely pathogenic for Curry-Hall syndrome; Ellis-van Creveld syndrome. Last evaluated: 2023-12-09. Review status: criteria provided, single submitter. Criteria: Invitae Variant Classification Sherloc (09022015). Collection method: clinical testing. Allele origin: germline.
Comment: This sequence change affects a donor splice site in intron 16 of the EVC gene. It is expected to disrupt RNA splicing. Variants that disrupt the donor or acceptor splice site typically lead to a loss of protein function (PMID: 16199547), and loss-of-function variants in EVC are known to be pathogenic (PMID: 23220543). This variant is not present in population databases (gnomAD no frequency). This variant has not been reported in the literature in individuals affected with EVC-related conditions. Algorithms developed to predict the effect of sequence changes on RNA splicing suggest that this variant may disrupt the consensus splice site. In summary, the currently available evidence indicates that the variant is pathogenic, but additional data are needed to prove that conclusively. Therefore, this variant has been classified as Likely Pathogenic.

Literature cited by the submitters: PubMed 16199547; PubMed 23220543.